The following is an entry in ClinVar:

ClinVar aggregate classification (germline): Uncertain significance. Review status: criteria provided, multiple submitters, no conflicts (2 of 4 stars). 2 submissions from 2 submitters: Uncertain significance (2). Last evaluated 2023-11-15.

Allele frequency attached by ClinVar (database versions not stated): TOPMed below 0.00001; ExAC 0.00001; gnomAD exomes 0.00001; ESP Exome Variant Server 0.00008.
gnomAD v4.1: 11 of 1,614,168 alleles (0.00068%); highest among the groups gnomAD compares: Non-Finnish European, 0.00093%; no homozygotes.

Submissions (2):

Labcorp Genetics (formerly Invitae), Labcorp
Classification: Uncertain significance. Last evaluated: 2023-11-15. Review status: criteria provided, single submitter. Criteria: Invitae Variant Classification Sherloc (09022015). Collection method: clinical testing. Allele origin: germline.
Comment: This sequence change replaces tyrosine, which is neutral and polar, with histidine, which is basic and polar, at codon 71 of the OPN1SW protein (p.Tyr71His). This variant is present in population databases (rs140464762, gnomAD 0.003%). This variant has not been reported in the literature in individuals affected with OPN1SW-related conditions. ClinVar contains an entry for this variant (Variation ID: 1026123). An algorithm developed to predict the effect of missense changes on protein structure and function (PolyPhen-2) suggests that this variant is likely to be disruptive. In summary, the available evidence is currently insufficient to determine the role of this variant in disease. Therefore, it has been classified as a Variant of Uncertain Significance.

Ambry Genetics
Classification: Uncertain significance. Last evaluated: 2023-05-01. Review status: criteria provided, single submitter. Criteria: Ambry Variant Classification Scheme 2023. Collection method: clinical testing. Allele origin: germline.

NM_001385125.1(OPN1SW):c.202T>C (p.Tyr68His)

Gene: OPN1SW (opsin 1, short wave sensitive; minus strand). Cytogenetic location: 7q32.1.
Variant type: single nucleotide variant.
Coding change: c.202T>C on transcript NM_001385125.1 (MANE Select); coding-DNA position 202, T replaced by C.
Protein change: p.Tyr68His; replaces tyrosine 68 with histidine.
Molecular consequence: missense variant.
Genome position (GRCh38, 1-based): chr7:128,775,580, A>G on the plus strand (T>C on the coding strand, the complement: OPN1SW is on the minus strand). VCF-style: chr7-128775580-A-G. GRCh37 (hg19) VCF-style: chr7-128415634-A-G.
Other names: NM_001708.2:c.211T>C; short protein forms Y68H.
Identifiers: ClinVar variation 1026123 (VCV001026123.10), dbSNP rs140464762, ClinGen allele CA4473031.